The following is an entry in ClinVar:

ClinVar aggregate classification (germline): Uncertain significance. Review status: criteria provided, multiple submitters, no conflicts (2 of 4 stars). 2 submissions from 2 submitters: Uncertain significance (2). Last evaluated 2025-01-13.

Conditions:
Chédiak-Higashi syndrome (CHS). Also called: Chediak-Higashi Syndrome. Identifiers: Orphanet 167, MedGen C0007965, MONDO:0008963, OMIM 214500.

Allele frequency attached by ClinVar (database versions not stated): gnomAD 0.00001; gnomAD exomes 0.00001; TOPMed 0.00001; ExAC 0.00002.
gnomAD v4.1: 18 of 1,613,976 alleles (0.0011%); highest among the groups gnomAD compares: East Asian, 0.0022%; no homozygotes.

Submissions (2):

Labcorp Genetics (formerly Invitae), Labcorp
Classification: Uncertain significance for Chédiak-Higashi syndrome. Last evaluated: 2025-01-13. Review status: criteria provided, single submitter. Criteria: Invitae Variant Classification Sherloc (09022015). Collection method: clinical testing. Allele origin: germline.
Comment: This sequence change replaces glycine, which is neutral and non-polar, with arginine, which is basic and polar, at codon 3682 of the LYST protein (p.Gly3682Arg). This variant is present in population databases (rs757194359, gnomAD 0.003%). This variant has not been reported in the literature in individuals affected with LYST-related conditions. ClinVar contains an entry for this variant (Variation ID: 1991706). Invitae Evidence Modeling of protein sequence and biophysical properties (such as structural, functional, and spatial information, amino acid conservation, physicochemical variation, residue mobility, and thermodynamic stability) has been performed for this missense variant. However, the output from this modeling did not meet the statistical confidence thresholds required to predict the impact of this variant on LYST protein function. In summary, the available evidence is currently insufficient to determine the role of this variant in disease. Therefore, it has been classified as a Variant of Uncertain Significance.

Blueprint Genetics
Classification: Uncertain significance. Last evaluated: 2022-11-09. Review status: criteria provided, single submitter. Criteria: ACMG Guidelines, 2015. Collection method: clinical testing. Allele origin: germline.

NM_000081.4(LYST):c.11044G>A (p.Gly3682Arg)

Gene: LYST (lysosomal trafficking regulator; minus strand). Cytogenetic location: 1q42.3.
Variant type: single nucleotide variant.
Coding change: c.11044G>A on transcript NM_000081.4 (MANE Select); coding-DNA position 11044, G replaced by A.
Protein change: p.Gly3682Arg; replaces glycine 3682 with arginine.
Molecular consequence: missense variant.
Genome position (GRCh38, 1-based): chr1:235,664,616, C>T on the plus strand (G>A on the coding strand, the complement: LYST is on the minus strand). VCF-style: chr1-235664616-C-T. GRCh37 (hg19) VCF-style: chr1-235827916-C-T.
Other names: c.11044G>A, p.Gly3682Arg (NM_001301365.1); short protein forms G3682R.
Identifiers: ClinVar variation 1991706 (VCV001991706.4), dbSNP rs757194359, ClinGen allele CA1465220.